The following is an entry in ClinVar:

NM_004387.4(NKX2-5):c.238G>T (p.Ala80Ser)

Gene: NKX2-5 (NK2 homeobox 5; minus strand). Cytogenetic location: 5q35.1.
Variant type: single nucleotide variant.
Coding change: c.238G>T on transcript NM_004387.4 (MANE Select); coding-DNA position 238, G replaced by T.
Protein change: p.Ala80Ser; replaces alanine 80 with serine.
Molecular consequence: missense variant.
Genome position (GRCh38, 1-based): chr5:173,234,846, C>A on the plus strand (G>T on the coding strand, the complement: NKX2-5 is on the minus strand). VCF-style: chr5-173234846-C-A. GRCh37 (hg19) VCF-style: chr5-172661849-C-A.
Other names: c.238G>T, p.Ala80Ser (NM_001166175.2, NM_001166176.2); short protein forms A80S.
Identifiers: ClinVar variation 3224198 (VCV003224198.1), dbSNP rs1761434661, ClinGen allele CA362163420.

ClinVar aggregate classification (germline): Uncertain significance (1 of 4 stars; one submission).

Conditions:
Cardiovascular phenotype. Identifiers: MedGen CN230736.

Submission:

Ambry Genetics
Classification: Uncertain significance for Cardiovascular phenotype. Last evaluated: 2023-09-24. Review status: criteria provided, single submitter. Criteria: Ambry Variant Classification Scheme 2023. Collection method: clinical testing. Allele origin: germline.
Comment: The p.A80S variant (also known as c.238G>T), located in coding exon 1 of the NKX2-5 gene, results from a G to T substitution at nucleotide position 238. The alanine at codon 80 is replaced by serine, an amino acid with similar properties. This amino acid position is conserved. In addition, this alteration is predicted to be tolerated by in silico analysis. Since supporting evidence is limited at this time, the clinical significance of this alteration remains unclear.